The following is an entry in ClinVar:

NM_022835.3(PLEKHG2):c.97G>C (p.Glu33Gln)

Gene: PLEKHG2 (pleckstrin homology and RhoGEF domain containing G2; plus strand). Cytogenetic location: 19q13.2.
Variant type: single nucleotide variant.
Coding change: c.97G>C on transcript NM_022835.3 (MANE Select); coding-DNA position 97, G replaced by C.
Protein change: p.Glu33Gln; replaces glutamic acid 33 with glutamine.
Molecular consequence: missense variant.
Genome position (GRCh38, 1-based): chr19:39,414,183, G>C. VCF-style: chr19-39414183-G-C. GRCh37 (hg19) VCF-style: chr19-39904823-G-C.
Other names: c.97G>C, p.Glu33Gln (NM_001351693.2, NM_001351694.2); short protein forms E33Q.
Identifiers: ClinVar variation 4704983 (VCV004704983.1).

ClinVar aggregate classification (germline): Uncertain significance (1 of 4 stars; one submission).

gnomAD v4.1: 6 of 1,551,410 alleles (0.00039%); highest among the groups gnomAD compares: Admixed American, 0.0039%; no homozygotes.

Submission:

Labcorp Genetics (formerly Invitae), Labcorp
Classification: Uncertain significance. Last evaluated: 2025-10-01. Review status: criteria provided, single submitter. Criteria: Invitae Variant Classification Sherloc (09022015). Collection method: clinical testing. Allele origin: germline.
Comment: This sequence change replaces glutamic acid, which is acidic and polar, with glutamine, which is neutral and polar, at codon 33 of the PLEKHG2 protein (p.Glu33Gln). This variant is present in population databases (rs766426509, gnomAD 0.008%). This variant has not been reported in the literature in individuals affected with PLEKHG2-related conditions. An algorithm developed to predict the effect of missense changes on protein structure and function (PolyPhen-2) suggests that this variant is likely to be disruptive. In summary, the available evidence is currently insufficient to determine the role of this variant in disease. Therefore, it has been classified as a Variant of Uncertain Significance.